The following is an entry in ClinVar:

NM_000163.5(GHR):c.1753G>A (p.Val585Ile)

Gene: GHR (growth hormone receptor; plus strand). Cytogenetic location: 5p12.
Variant type: single nucleotide variant.
Coding change: c.1753G>A on transcript NM_000163.5 (MANE Select); coding-DNA position 1753, G replaced by A.
Protein change: p.Val585Ile; replaces valine 585 with isoleucine.
Molecular consequence: missense variant. On other transcripts: 3 prime UTR variant (1).
Genome position (GRCh38, 1-based): chr5:42,719,260, G>A. VCF-style: chr5-42719260-G-A. GRCh37 (hg19) VCF-style: chr5-42719362-G-A.
Other names: c.1774G>A, p.Val592Ile (NM_001242399.2); c.1753G>A, p.Val585Ile (NM_001242400.2, NM_001242401.4, NM_001242402.2 and 4 more transcripts); c.1687G>A, p.Val563Ile (NM_001242460.2); c.*795G>A (NM_001242462.1); short protein forms V563I, V592I, V585I.
Identifiers: ClinVar variation 2007164 (VCV002007164.4), dbSNP rs2530783780, ClinGen allele CA359630911.

ClinVar aggregate classification (germline): Uncertain significance (1 of 4 stars; one submission).

Submission:

Labcorp Genetics (formerly Invitae), Labcorp
Classification: Uncertain significance. Last evaluated: 2022-06-16. Review status: criteria provided, single submitter. Criteria: Invitae Variant Classification Sherloc (09022015). Collection method: clinical testing. Allele origin: germline.
Comment: In summary, the available evidence is currently insufficient to determine the role of this variant in disease. Therefore, it has been classified as a Variant of Uncertain Significance. Algorithms developed to predict the effect of missense changes on protein structure and function output the following: SIFT: "Tolerated"; PolyPhen-2: "Benign"; Align-GVGD: "Class C0". The isoleucine amino acid residue is found in multiple mammalian species, which suggests that this missense change does not adversely affect protein function. This variant has not been reported in the literature in individuals affected with GHR-related conditions. This variant is not present in population databases (gnomAD no frequency). This sequence change replaces valine, which is neutral and non-polar, with isoleucine, which is neutral and non-polar, at codon 585 of the GHR protein (p.Val585Ile).